The following is an entry in ClinVar:

ClinVar aggregate classification (germline): Benign (0 of 4 stars; one submission).

Conditions:
CAPS-related disorder. Also called: CAPS-related condition.

Allele frequency attached by ClinVar (database versions not stated): ExAC 0.00350; 1000 Genomes Project 0.00419; 1000 Genomes Project 30x 0.00422.
gnomAD v4.1: 2,417 of 1,614,014 alleles (0.15%); highest among the groups gnomAD compares: South Asian, 2%; 40 homozygotes.

Submission:

PreventionGenetics, part of Exact Sciences
Classification: Benign for CAPS-related condition. Last evaluated: 2020-02-17. Review status: no assertion criteria provided. Collection method: clinical testing. Allele origin: germline.
Comment: This variant is classified as benign based on ACMG/AMP sequence variant interpretation guidelines (Richards et al. 2015 PMID: 25741868, with internal and published modifications).

NM_004058.5(CAPS):c.160G>A (p.Gly54Arg)

Gene: CAPS (calcyphosine; plus strand). Cytogenetic location: 19p13.3.
Variant type: single nucleotide variant.
Coding change: c.160G>A on transcript NM_004058.5 (MANE Select); coding-DNA position 160, G replaced by A.
Protein change: p.Gly54Arg; replaces glycine 54 with arginine.
Molecular consequence: missense variant.
Genome position (GRCh38, 1-based): chr19:5,914,639, G>A. VCF-style: chr19-5914639-G-A. GRCh37 (hg19) VCF-style: chr19-5914650-G-A.
Other names: c.160G>A, p.Gly54Arg (NM_080590.4); short protein forms G54R.
Identifiers: ClinVar variation 3043545 (VCV003043545.2), dbSNP rs199930097, ClinGen allele CA9119348.
Genomic context (GRCh38, chr19:5,914,639, plus strand): 5'-GACCGGGACGGGAGCAGATCCCTGGACGCTGATGAGTTCCGGCAGGGTCTGGCCAAACTC[G>A]GGCTGGTGCTGGACCAGGCGGAGGCAGAGGGTGTGTGCAGGAAGTGGGACCGCAATGGCA-3'
Protein context (NP_004049.3, residues 44-64): DEFRQGLAKL[Gly54Arg]LVLDQAEAEG